The following is an entry in ClinVar:

NM_000271.5(NPC1):c.2369A>G (p.Gln790Arg)

Gene: NPC1 (NPC intracellular cholesterol transporter 1; minus strand). Cytogenetic location: 18q11.2.
Variant type: single nucleotide variant.
Coding change: c.2369A>G on transcript NM_000271.5 (MANE Select); coding-DNA position 2369, A replaced by G.
Protein change: p.Gln790Arg; replaces glutamine 790 with arginine.
Molecular consequence: missense variant.
Genome position (GRCh38, 1-based): chr18:23,541,310, T>C on the plus strand (A>G on the coding strand, the complement: NPC1 is on the minus strand). VCF-style: chr18-23541310-T-C. GRCh37 (hg19) VCF-style: chr18-21121274-T-C.
Other names: short protein forms Q790R.
Identifiers: ClinVar variation 1407858 (VCV001407858.8), dbSNP rs761014306, ClinGen allele CA8913136.

ClinVar aggregate classification (germline): Uncertain significance (1 of 4 stars; one submission).

Conditions:
Niemann-Pick disease, type C1. Also called: NIEMANN-PICK DISEASE, VARIANT TYPE C1; NEUROVISCERAL STORAGE DISEASE WITH VERTICAL SUPRANUCLEAR OPHTHALMOPLEGIA; NIEMANN-PICK DISEASE WITH CHOLESTEROL ESTERIFICATION BLOCK; NIEMANN-PICK DISEASE WITHOUT SPHINGOMYELINASE DEFICIENCY; NIEMANN-PICK DISEASE, CHRONIC NEURONOPATHIC FORM. Identifiers: Orphanet 646, MedGen C3179455, MONDO:0009757, OMIM 257220.

Allele frequency attached by ClinVar (database versions not stated): gnomAD exomes below 0.00001; ExAC 0.00001; gnomAD 0.00001; TOPMed 0.00001.
gnomAD v4.1: 3 of 1,614,072 alleles (0.00019%); highest among the groups gnomAD compares: African/African-American, 0.0027%; no homozygotes.

Submission:

Labcorp Genetics (formerly Invitae), Labcorp
Classification: Uncertain significance for Niemann-Pick disease, type C1. Last evaluated: 2023-08-17. Review status: criteria provided, single submitter. Criteria: Invitae Variant Classification Sherloc (09022015). Collection method: clinical testing. Allele origin: germline.
Comment: This sequence change replaces glutamine, which is neutral and polar, with arginine, which is basic and polar, at codon 790 of the NPC1 protein (p.Gln790Arg). This variant is present in population databases (rs761014306, gnomAD 0.007%). This variant has not been reported in the literature in individuals affected with NPC1-related conditions. ClinVar contains an entry for this variant (Variation ID: 1407858). Advanced modeling of protein sequence and biophysical properties (such as structural, functional, and spatial information, amino acid conservation, physicochemical variation, residue mobility, and thermodynamic stability) has been performed at Invitae for this missense variant, however the output from this modeling did not meet the statistical confidence thresholds required to predict the impact of this variant on NPC1 protein function. In summary, the available evidence is currently insufficient to determine the role of this variant in disease. Therefore, it has been classified as a Variant of Uncertain Significance.